The following is an entry in ClinVar:

ClinVar aggregate classification (germline): Uncertain significance (1 of 4 stars; one submission).

Conditions:
Familial cold autoinflammatory syndrome 3 (FCAS3). Also called: FAMILIAL ATYPICAL COLD URTICARIA; ANTIBODY DEFICIENCY AND IMMUNE DYSREGULATION, PLCG2-ASSOCIATED. Identifiers: Orphanet 300359, MedGen C3280914, MONDO:0013766, OMIM 614468.

gnomAD v4.1: 1 of 1,599,782 alleles (0.000063%); highest among the groups gnomAD compares: South Asian, 0.0011%; no homozygotes.

Submission:

Labcorp Genetics (formerly Invitae), Labcorp
Classification: Uncertain significance for Familial cold autoinflammatory syndrome 3. Last evaluated: 2024-01-26. Review status: criteria provided, single submitter. Criteria: Invitae Variant Classification Sherloc (09022015). Collection method: clinical testing. Allele origin: germline.
Comment: This sequence change replaces isoleucine, which is neutral and non-polar, with valine, which is neutral and non-polar, at codon 451 of the PLCG2 protein (p.Ile451Val). The frequency data for this variant in the population databases is considered unreliable, as metrics indicate poor data quality at this position in the gnomAD database. This variant has not been reported in the literature in individuals affected with PLCG2-related conditions. Algorithms developed to predict the effect of missense changes on protein structure and function output the following: SIFT: "Not Available"; PolyPhen-2: "Benign"; Align-GVGD: "Not Available". The valine amino acid residue is found in multiple mammalian species, which suggests that this missense change does not adversely affect protein function. In summary, the available evidence is currently insufficient to determine the role of this variant in disease. Therefore, it has been classified as a Variant of Uncertain Significance.

NM_002661.5(PLCG2):c.1351A>G (p.Ile451Val)

Gene: PLCG2 (phospholipase C gamma 2; plus strand). Cytogenetic location: 16q23.3.
Variant type: single nucleotide variant.
Coding change: c.1351A>G on transcript NM_002661.5 (MANE Select); coding-DNA position 1351, A replaced by G.
Protein change: p.Ile451Val; replaces isoleucine 451 with valine.
Molecular consequence: missense variant.
Genome position (GRCh38, 1-based): chr16:81,900,769, A>G. VCF-style: chr16-81900769-A-G. GRCh37 (hg19) VCF-style: chr16-81934374-A-G.
Other names: c.1351A>G, p.Ile451Val (NM_001425749.1, NM_001425750.1, NM_001425751.1); short protein forms I451V.
Identifiers: ClinVar variation 2711730 (VCV002711730.3), dbSNP rs1424969556, ClinGen allele CA396899529.
Genomic context (GRCh38, chr16:81,900,769, plus strand): 5'-ACGAAGCCCACGGAGGCCAGTGCTGACCAGCTGCCCTCGCCCAGCCAGCTGCGGGAGAAG[A>G]TCATCATCAAGGTAGGCACCCCGGGTGCTGCTGTTGGCTGTCCAGGGAGCCCAGTGGCTC-3'
Protein context (NP_002652.2, residues 441-461): LPSPSQLREK[Ile451Val]IIKHKKLGPR